The following is an entry in ClinVar:

NM_153240.5(NPHP3):c.1288T>C (p.Ser430Pro)

Genes: NPHP3 (nephrocystin 3; minus strand), NPHP3-ACAD11 (NPHP3-ACAD11 readthrough (NMD candidate); minus strand). Cytogenetic location: 3q22.1.
Variant type: single nucleotide variant.
Coding change: c.1288T>C on transcript NM_153240.5 (MANE Select); coding-DNA position 1288, T replaced by C.
Protein change: p.Ser430Pro; replaces serine 430 with proline.
Molecular consequence: missense variant. On other transcripts: non-coding transcript variant (1).
Genome position (GRCh38, 1-based): chr3:132,705,802, A>G on the plus strand (T>C on the coding strand, the complement: NPHP3 is on the minus strand). VCF-style: chr3-132705802-A-G. GRCh37 (hg19) VCF-style: chr3-132424646-A-G.
Other names: short protein forms S430P.
Identifiers: ClinVar variation 839528 (VCV000839528.9), dbSNP rs151118635, ClinGen allele CA2622347.

ClinVar aggregate classification (germline): Uncertain significance (1 of 4 stars; one submission).

Conditions:
Nephronophthisis. Also called: Juvenile Nephronophthisis. Identifiers: Orphanet 655, MedGen C0687120, MONDO:0019005, HP:0000090.

gnomAD v4.1: 5 of 1,506,442 alleles (0.00033%); highest among the groups gnomAD compares: Admixed American, 0.0017%; no homozygotes.

Submission:

Labcorp Genetics (formerly Invitae), Labcorp
Classification: Uncertain significance for Nephronophthisis. Last evaluated: 2025-02-17. Review status: criteria provided, single submitter. Criteria: Invitae Variant Classification Sherloc (09022015). Collection method: clinical testing. Allele origin: germline.
Comment: This sequence change replaces serine, which is neutral and polar, with proline, which is neutral and non-polar, at codon 430 of the NPHP3 protein (p.Ser430Pro). This variant is present in population databases (rs151118635, gnomAD 0.003%). This variant has not been reported in the literature in individuals affected with NPHP3-related conditions. ClinVar contains an entry for this variant (Variation ID: 839528). Invitae Evidence Modeling of protein sequence and biophysical properties (such as structural, functional, and spatial information, amino acid conservation, physicochemical variation, residue mobility, and thermodynamic stability) indicates that this missense variant is not expected to disrupt NPHP3 protein function with a negative predictive value of 80%. In summary, the available evidence is currently insufficient to determine the role of this variant in disease. Therefore, it has been classified as a Variant of Uncertain Significance.